The following is an entry in ClinVar:

NM_001244008.2(KIF1A):c.1222G>C (p.Val408Leu)

Gene: KIF1A (kinesin family member 1A; minus strand). Cytogenetic location: 2q37.3.
Variant type: single nucleotide variant.
Coding change: c.1222G>C on transcript NM_001244008.2 (MANE Select); coding-DNA position 1222, G replaced by C.
Protein change: p.Val408Leu; replaces valine 408 with leucine.
Molecular consequence: missense variant.
Genome position (GRCh38, 1-based): chr2:240,771,090, C>G on the plus strand (G>C on the coding strand, the complement: KIF1A is on the minus strand). VCF-style: chr2-240771090-C-G. GRCh37 (hg19) VCF-style: chr2-241710507-C-G.
Other names: c.1222G>C, p.Val408Leu (NM_001320705.2, NM_001330289.2, NM_001379638.1); c.1297G>C, p.Val433Leu (NM_001330290.2, NM_001379631.1, NM_001379634.1 and 2 more transcripts); c.1195G>C, p.Val399Leu (NM_001379632.1, NM_001379633.1, NM_001379636.1 and 11 more transcripts); c.1270G>C, p.Val424Leu (NM_001379637.1, NM_001379648.1); short protein forms V399L, V424L, V433L, V408L.
Identifiers: ClinVar variation 2921899 (VCV002921899.3), dbSNP rs2537867182, ClinGen allele CA351330643.
Genomic context (GRCh38, chr2:240,771,090, plus strand): 5'-TGGACACGGAGGCCGCGCGGCTGGACAGGGCTGAGAGCGAGGATGAGGGGCTCATACCCA[C>G]CAGGGCATTGGTCACTGTGGAGAGAGGGTCAGGGGCTTCATTCACCGTCCCGCCACGGTT-3'
Protein context (NP_001230937.1, residues 398-418): PGGPKLTNAL[Val408Leu]GMSPSSSLSA

ClinVar aggregate classification (germline): Uncertain significance (1 of 4 stars; one submission).

Conditions:
Neuropathy, hereditary sensory, type 2C. Also called: Hereditary sensory and autonomic neuropathy type IIC; KIF1A-Related HSAN2 (HSAN2C). Identifiers: Orphanet 970, MedGen C3280168, MONDO:0013634, OMIM 614213.
Hereditary spastic paraplegia 30. Identifiers: Orphanet 101010, MedGen C5235139, MONDO:0012476.
Intellectual disability, autosomal dominant 9 (NESCAVS). Also called: NESCAV SYNDROME; KIF1A-Related Neurodevelopmental Disorder. Identifiers: Orphanet 662367, MedGen C5393830, MONDO:0013656, OMIM 614255.

Submission:

Labcorp Genetics (formerly Invitae), Labcorp
Classification: Uncertain significance for Hereditary spastic paraplegia 30; Neuropathy, hereditary sensory, type 2C; Intellectual disability, autosomal dominant 9. Last evaluated: 2024-01-03. Review status: criteria provided, single submitter. Criteria: Invitae Variant Classification Sherloc (09022015). Collection method: clinical testing. Allele origin: germline.
Comment: This sequence change replaces valine, which is neutral and non-polar, with leucine, which is neutral and non-polar, at codon 399 of the KIF1A protein (p.Val399Leu). This variant is not present in population databases (gnomAD no frequency). This variant has not been reported in the literature in individuals affected with KIF1A-related conditions. Advanced modeling of protein sequence and biophysical properties (such as structural, functional, and spatial information, amino acid conservation, physicochemical variation, residue mobility, and thermodynamic stability) performed at Invitae indicates that this missense variant is expected to disrupt KIF1A protein function with a positive predictive value of 95%. In summary, the available evidence is currently insufficient to determine the role of this variant in disease. Therefore, it has been classified as a Variant of Uncertain Significance.